The following is an entry in ClinVar:

NM_000135.4(FANCA):c.1813G>A (p.Glu605Lys)

Gene: FANCA (FA complementation group A; minus strand). Cytogenetic location: 16q24.3.
Variant type: single nucleotide variant.
Coding change: c.1813G>A on transcript NM_000135.4 (MANE Select); coding-DNA position 1813, G replaced by A.
Protein change: p.Glu605Lys; replaces glutamic acid 605 with lysine.
Molecular consequence: missense variant.
Genome position (GRCh38, 1-based): chr16:89,778,814, C>T on the plus strand (G>A on the coding strand, the complement: FANCA is on the minus strand). VCF-style: chr16-89778814-C-T. GRCh37 (hg19) VCF-style: chr16-89845222-C-T.
Other names: c.1813G>A, p.Glu605Lys (NM_001286167.3); short protein forms E605K.
Identifiers: ClinVar variation 4619278 (VCV004619278.1).

ClinVar aggregate classification (germline): Uncertain significance (1 of 4 stars; one submission).

Conditions:
Inborn genetic diseases. Identifiers: MedGen C0950123, MeSH D030342.

Submission:

Ambry Genetics
Classification: Uncertain significance for Inborn genetic diseases. Last evaluated: 2025-11-15. Review status: criteria provided, single submitter. Criteria: Ambry Variant Classification Scheme 2023. Collection method: clinical testing. Allele origin: germline.
Comment: The p.E605K variant (also known as c.1813G>A), located in coding exon 20 of the FANCA gene, results from a G to A substitution at nucleotide position 1813. The glutamic acid at codon 605 is replaced by lysine, an amino acid with similar properties. This amino acid position is conserved. In addition, the in silico prediction for this alteration is inconclusive. Based on the available evidence, the clinical significance of this variant remains unclear.